The following is an entry in ClinVar:

ClinVar aggregate classification (germline): Uncertain significance (1 of 4 stars; one submission).

Conditions:
Developmental and epileptic encephalopathy, 23 (DEE23). Also called: Epileptic encephalopathy, early infantile, 23. Identifiers: Orphanet 411986, MedGen C4014492, MONDO:0014371, OMIM 615859.

gnomAD v4.1: 12 of 1,613,896 alleles (0.00074%); highest among the groups gnomAD compares: Non-Finnish European, 0.001%; no homozygotes.

Submission:

Labcorp Genetics (formerly Invitae), Labcorp
Classification: Uncertain significance for Developmental and epileptic encephalopathy, 23. Last evaluated: 2022-08-13. Review status: criteria provided, single submitter. Criteria: Invitae Variant Classification Sherloc (09022015). Collection method: clinical testing. Allele origin: germline.
Comment: This sequence change replaces threonine, which is neutral and polar, with isoleucine, which is neutral and non-polar, at codon 1538 of the DOCK7 protein (p.Thr1538Ile). This variant is not present in population databases (gnomAD no frequency). This variant has not been reported in the literature in individuals affected with DOCK7-related conditions. Algorithms developed to predict the effect of missense changes on protein structure and function are either unavailable or do not agree on the potential impact of this missense change (SIFT: "Tolerated"; PolyPhen-2: "Probably Damaging"; Align-GVGD: "Class C25"). In summary, the available evidence is currently insufficient to determine the role of this variant in disease. Therefore, it has been classified as a Variant of Uncertain Significance.

NM_001367561.1(DOCK7):c.4640C>T (p.Thr1547Ile)

Gene: DOCK7 (dedicator of cytokinesis 7; minus strand). Cytogenetic location: 1p31.3.
Variant type: single nucleotide variant.
Coding change: c.4640C>T on transcript NM_001367561.1 (MANE Select); coding-DNA position 4640, C replaced by T.
Protein change: p.Thr1547Ile; replaces threonine 1547 with isoleucine.
Molecular consequence: missense variant.
Genome position (GRCh38, 1-based): chr1:62,504,754, G>A on the plus strand (C>T on the coding strand, the complement: DOCK7 is on the minus strand). VCF-style: chr1-62504754-G-A. GRCh37 (hg19) VCF-style: chr1-62970425-G-A.
Other names: c.4613C>T, p.Thr1538Ile (NM_001271999.2, NM_001330614.2); c.4520C>T, p.Thr1507Ile (NM_001272000.2, NM_001272001.2); c.4547C>T, p.Thr1516Ile (NM_033407.4); short protein forms T1516I, T1538I, T1507I, T1547I.
Identifiers: ClinVar variation 1982385 (VCV001982385.1), dbSNP rs2524233781, ClinGen allele CA340618189.
Genomic context (GRCh38, chr1:62,504,754, plus strand): 5'-GTACCGATGCTACTGCTACAGTGTCGGAGAAGCCTGAGGCATAAATCAGCACACTGCTCT[G>A]TCTCTTCTTCAAATAAGAGTTCAGGAAACTGTAAAACAACAAAACAAACCACCACTGAAT-3'
Protein context (NP_001354490.1, residues 1537-1557): KFPELLFEEE[Thr1547Ile]EQCADLCLRL